The following is an entry in ClinVar:

ClinVar aggregate classification (germline): Pathogenic (1 of 4 stars; one submission).

Conditions:
Jeune thoracic dystrophy. Also called: Short-rib thoracic dysplasia; Jeune syndrome; Infantile thoracic dystrophy; Thoracic pelvic phalangeal dystrophy; Jeune's syndrome; Chondroectodermal dysplasia-like syndrome. Identifiers: Orphanet 474, MedGen C0265275, MONDO:0018770.

Submission:

Labcorp Genetics (formerly Invitae), Labcorp
Classification: Pathogenic for Jeune thoracic dystrophy. Last evaluated: 2023-12-01. Review status: criteria provided, single submitter. Criteria: Invitae Variant Classification Sherloc (09022015). Collection method: clinical testing. Allele origin: germline.
Comment: This sequence change creates a premature translational stop signal (p.Arg3128Glyfs*3) in the DYNC2H1 gene. It is expected to result in an absent or disrupted protein product. Loss-of-function variants in DYNC2H1 are known to be pathogenic (PMID: 23339108, 32753734, 33755199). This variant is present in population databases (no rsID available, gnomAD 0.007%). This variant has not been reported in the literature in individuals affected with DYNC2H1-related conditions. For these reasons, this variant has been classified as Pathogenic.

Literature cited by the submitters: PubMed 23339108; PubMed 32753734; PubMed 33755199.

NM_001377.3(DYNC2H1):c.9382del (p.Arg3128fs)

Gene: DYNC2H1 (dynein cytoplasmic 2 heavy chain 1; plus strand). Cytogenetic location: 11q22.3.
Variant type: Deletion.
Coding change: c.9382del on transcript NM_001377.3 (MANE Select); coding-DNA position 9382, one base deleted (A; older notation c.9382delA).
Protein change: p.Arg3128fs; shifts the reading frame from arginine 3128.
Molecular consequence: frameshift variant.
Genome position (GRCh38, 1-based): chr11:103,231,288, A deleted; the last of 5 consecutive A bases (chr11:103,231,284-103,231,288); deleting any one gives the same sequence. VCF-style (leftmost placement, unchanged base first): chr11-103231283-GA-G. GRCh37 (hg19) VCF-style: chr11-103102012-GA-G.
Other names: c.9382del, p.Arg3128fs (NM_001080463.2); short protein forms R3128fs.
Identifiers: ClinVar variation 2700078 (VCV002700078.3), dbSNP rs1287001939, ClinGen allele CA601233100.